The following is an entry in ClinVar:

NM_000081.4(LYST):c.8221C>T (p.Arg2741Ter)

Gene: LYST (lysosomal trafficking regulator; minus strand). Cytogenetic location: 1q42.3.
Variant type: single nucleotide variant.
Coding change: c.8221C>T on transcript NM_000081.4 (MANE Select); coding-DNA position 8221, C replaced by T.
Protein change: p.Arg2741Ter; replaces arginine 2741 with a stop codon.
Molecular consequence: nonsense.
Genome position (GRCh38, 1-based): chr1:235,741,559, G>A on the plus strand (C>T on the coding strand, the complement: LYST is on the minus strand). VCF-style: chr1-235741559-G-A. GRCh37 (hg19) VCF-style: chr1-235904859-G-A.
Other names: c.8221C>T, p.Arg2741Ter (NM_001301365.1); short protein forms R2741*.
Identifiers: ClinVar variation 3656252 (VCV003656252.2).
Genomic context (GRCh38, chr1:235,741,559, plus strand): 5'-TCTCTTGTGCAGCGTGGGCTGGCGACAAAATATGCACTAGTAGTCTCCCAAGCTGCATTC[G>A]GAAGGTCTCCTTACAAGACCACAGAATTTTAGTCCATTGCTGCTTGGAACCACTGGCTTT-3'

ClinVar aggregate classification (germline): Pathogenic (1 of 4 stars; one submission).

Conditions:
Chédiak-Higashi syndrome (CHS). Also called: Chediak-Higashi Syndrome. Identifiers: Orphanet 167, MedGen C0007965, MONDO:0008963, OMIM 214500.

gnomAD v4.1: 3 of 1,614,002 alleles (0.00019%); highest among the groups gnomAD compares: South Asian, 0.0011%; no homozygotes.

Submission:

Labcorp Genetics (formerly Invitae), Labcorp
Classification: Pathogenic for Chédiak-Higashi syndrome. Last evaluated: 2024-03-08. Review status: criteria provided, single submitter. Criteria: Invitae Variant Classification Sherloc (09022015). Collection method: clinical testing. Allele origin: germline.
Comment: This sequence change creates a premature translational stop signal (p.Arg2741*) in the LYST gene. It is expected to result in an absent or disrupted protein product. Loss-of-function variants in LYST are known to be pathogenic (PMID: 9215679, 11857544). This variant is present in population databases (rs763532156, gnomAD 0.003%). This premature translational stop signal has been observed in individual(s) with LYST-related conditions (PMID: 32531373). For these reasons, this variant has been classified as Pathogenic.

Literature cited by the submitters: PubMed 9215679; PubMed 11857544; PubMed 32531373.